The following is an entry in ClinVar:

ClinVar aggregate classification (germline): Pathogenic (1 of 4 stars; one submission).

Conditions:
X-linked Alport syndrome (ATS1). Also called: NEPHROPATHY AND DEAFNESS, X-LINKED; COL4A5-Related Nephropathy. Identifiers: Orphanet 63, Orphanet 88917, MedGen C4746986, MONDO:0010520, OMIM 301050.

Submission:

Myriad Genetics, Inc.
Classification: Pathogenic for X-linked Alport syndrome. Last evaluated: 2023-09-03. Review status: criteria provided, single submitter. Criteria: Myriad Autosomal Dominant, Autosomal Recessive and X-Linked Classification Criteria (2023). Collection method: clinical testing. Allele origin: unknown.
Comment: NM_000495.4(COL4A5):c.2915delC(P972Qfs*24) is expected to be pathogenic in the context of X-linked Alport syndrome. This variant is predicted to lead to an abnormal or absent protein product due to the creation of a premature termination codon in COL4A5, a gene where loss-of-function variants are known to be pathogenic. Please note: this variant was assessed in the context of healthy population screening.

NM_033380.3(COL4A5):c.2915del (p.Pro972fs)

Gene: COL4A5 (collagen type IV alpha 5 chain; plus strand). Cytogenetic location: Xq22.3.
Variant type: Deletion.
Coding change: c.2915del on transcript NM_033380.3 (MANE Select); coding-DNA position 2915, one base deleted (C; older notation c.2915delC).
Protein change: p.Pro972fs; shifts the reading frame from proline 972.
Molecular consequence: frameshift variant.
Genome position (GRCh38, 1-based): chrX:108,622,823, C deleted; the last of 2 consecutive C bases (chrX:108,622,822-108,622,823); deleting either gives the same sequence. VCF-style (leftmost placement, unchanged base first): chrX-108622821-AC-A. GRCh37 (hg19) VCF-style: chrX-107866051-AC-A.
Other names: c.2915del, p.Pro972fs (NM_000495.5); short protein forms P972fs.
Identifiers: ClinVar variation 5011527 (VCV005011527.1).